The following is an entry in ClinVar:

ClinVar aggregate classification (germline): Likely benign. Review status: criteria provided, multiple submitters, no conflicts (2 of 4 stars). 3 submissions from 3 submitters: Likely benign (2). 1 of the submissions does not count toward it. Last evaluated 2025-01-20.

Conditions:
DNMT3A-related disorder. Also called: DNMT3A-related condition; DNMT3A-related disorders.
Tatton-Brown-Rahman overgrowth syndrome. Also called: Tall stature-intellectual disability-facial dysmorphism syndrome; Tatton-Brown-Rahman syndrome. Identifiers: Orphanet 404443, MedGen C4014545, MONDO:0014382, OMIM 615879.
Inborn genetic diseases. Identifiers: MedGen C0950123, MeSH D030342.

gnomAD v4.1: 2 of 1,612,962 alleles (0.00012%); highest among the groups gnomAD compares: African/African-American, 0.0013%; no homozygotes.

Submissions (3):

Ambry Genetics
Classification: Likely benign for Inborn genetic diseases. Last evaluated: 2025-01-20. Review status: criteria provided, single submitter. Criteria: Ambry Variant Classification Scheme 2023. Collection method: clinical testing. Allele origin: germline.

Labcorp Genetics (formerly Invitae), Labcorp
Classification: Likely benign for Tatton-Brown-Rahman overgrowth syndrome. Last evaluated: 2024-12-17. Review status: criteria provided, single submitter. Criteria: Invitae Variant Classification Sherloc (09022015). Collection method: clinical testing. Allele origin: germline.

PreventionGenetics, part of Exact Sciences
Classification: Likely benign for DNMT3A-related condition. Last evaluated: 2024-08-23. Review status: no assertion criteria provided. Collection method: clinical testing. Allele origin: germline. Not counted in ClinVar's aggregate classification.
Comment: This variant is classified as likely benign based on ACMG/AMP sequence variant interpretation guidelines (Richards et al. 2015 PMID: 25741868, with internal and published modifications).

NM_022552.5(DNMT3A):c.2055G>A (p.Gly685=)

Gene: DNMT3A (DNA methyltransferase 3 alpha; minus strand). Cytogenetic location: 2p23.3.
Variant type: single nucleotide variant.
Coding change: c.2055G>A on transcript NM_022552.5 (MANE Select); coding-DNA position 2055, G replaced by A.
Protein change: p.Gly685=; no amino-acid change (glycine 685 retained).
Molecular consequence: synonymous variant. On other transcripts: non-coding transcript variant (1).
Genome position (GRCh38, 1-based): chr2:25,241,589, C>T on the plus strand (G>A on the coding strand, the complement: DNMT3A is on the minus strand). VCF-style: chr2-25241589-C-T. GRCh37 (hg19) VCF-style: chr2-25464458-C-T.
Other names: c.2055G>A (NM_022552.3); c.1599G>A, p.Gly533= (NM_001320893.1); c.1386G>A, p.Gly462= (NM_001375819.1); c.1488G>A, p.Gly496= (NM_153759.3); c.2055G>A, p.Gly685= (NM_175629.2).
Identifiers: ClinVar variation 3344817 (VCV003344817.4).